The following is an entry in ClinVar:

NM_005045.4(RELN):c.5684T>C (p.Met1895Thr)

Gene: RELN (reelin; minus strand). Cytogenetic location: 7q22.1.
Variant type: single nucleotide variant.
Coding change: c.5684T>C on transcript NM_005045.4 (MANE Select); coding-DNA position 5684, T replaced by C.
Protein change: p.Met1895Thr; replaces methionine 1895 with threonine.
Molecular consequence: missense variant.
Genome position (GRCh38, 1-based): chr7:103,557,090, A>G on the plus strand (T>C on the coding strand, the complement: RELN is on the minus strand). VCF-style: chr7-103557090-A-G. GRCh37 (hg19) VCF-style: chr7-103197537-A-G.
Other names: c.5684T>C, p.Met1895Thr (NM_173054.3); short protein forms M1895T.
Identifiers: ClinVar variation 663477 (VCV000663477.8), dbSNP rs1584292884, ClinGen allele CA368741722.

ClinVar aggregate classification (germline): Uncertain significance (1 of 4 stars; one submission).

Conditions:
Familial temporal lobe epilepsy 7. Identifiers: Orphanet 101046, MedGen C4225327, MONDO:0014639, OMIM 616436.
Norman-Roberts syndrome (LIS2). Also called: Lissencephaly 2 (Norman-Roberts type). Identifiers: Orphanet 89844, MedGen C0796089, MONDO:0009760, OMIM 257320.

Allele frequency attached by ClinVar (database versions not stated): gnomAD exomes below 0.00001; TOPMed 0.00001.

Submission:

Labcorp Genetics (formerly Invitae), Labcorp
Classification: Uncertain significance for Familial temporal lobe epilepsy 7; Norman-Roberts syndrome. Last evaluated: 2022-08-31. Review status: criteria provided, single submitter. Criteria: Invitae Variant Classification Sherloc (09022015). Collection method: clinical testing. Allele origin: germline.
Comment: In summary, the available evidence is currently insufficient to determine the role of this variant in disease. Therefore, it has been classified as a Variant of Uncertain Significance. Algorithms developed to predict the effect of missense changes on protein structure and function are either unavailable or do not agree on the potential impact of this missense change (SIFT: "Deleterious"; PolyPhen-2: "Benign"; Align-GVGD: "Class C0"). This sequence change replaces methionine, which is neutral and non-polar, with threonine, which is neutral and polar, at codon 1895 of the RELN protein (p.Met1895Thr). This variant is not present in population databases (gnomAD no frequency). This variant has not been reported in the literature in individuals affected with RELN-related conditions. ClinVar contains an entry for this variant (Variation ID: 663477).